The following is an entry in ClinVar:

ClinVar aggregate classification (germline): Uncertain significance (1 of 4 stars; one submission).

Submission:

Labcorp Genetics (formerly Invitae), Labcorp
Classification: Uncertain significance. Last evaluated: 2025-03-18. Review status: criteria provided, single submitter. Criteria: Invitae Variant Classification Sherloc (09022015). Collection method: clinical testing. Allele origin: germline.
Comment: This sequence change replaces methionine, which is neutral and non-polar, with leucine, which is neutral and non-polar, at codon 1406 of the ASXL1 protein (p.Met1406Leu). This variant is present in population databases (no rsID available, gnomAD 0.002%). This variant has not been reported in the literature in individuals affected with ASXL1-related conditions. An algorithm developed to predict the effect of missense changes on protein structure and function outputs the following: PolyPhen-2: "Benign". The leucine amino acid residue is found in multiple mammalian species, which suggests that this missense change does not adversely affect protein function. In summary, the available evidence is currently insufficient to determine the role of this variant in disease. Therefore, it has been classified as a Variant of Uncertain Significance.

NM_015338.6(ASXL1):c.4216A>C (p.Met1406Leu)

Gene: ASXL1 (ASXL transcriptional regulator 1; plus strand). Cytogenetic location: 20q11.21.
Variant type: single nucleotide variant.
Coding change: c.4216A>C on transcript NM_015338.6 (MANE Select); coding-DNA position 4216, A replaced by C.
Protein change: p.Met1406Leu; replaces methionine 1406 with leucine.
Molecular consequence: missense variant.
Genome position (GRCh38, 1-based): chr20:32,436,928, A>C. VCF-style: chr20-32436928-A-C. GRCh37 (hg19) VCF-style: chr20-31024731-A-C.
Other names: c.4033A>C, p.Met1345Leu (NM_001363734.1); short protein forms M1406L, M1345L.
Identifiers: ClinVar variation 4779804 (VCV004779804.1).
Genomic context (GRCh38, chr20:32,436,928, plus strand): 5'-AAAGCTACTGGGCATAGTCCCCTGGAACTGGTGGGTCACTTGGAAGGGATGCCCTTTGTC[A>C]TGGACTTGCCCTTCTGGAAATTACCCCGAGAGCCAGGGAAGGGGCTCAGTGAGCCTCTGG-3'
Protein context (NP_056153.2, residues 1396-1416): VGHLEGMPFV[Met1406Leu]DLPFWKLPRE